The following is an entry in ClinVar:

ClinVar aggregate classification (germline): Uncertain significance (1 of 4 stars; one submission).

Submission:

Ambry Genetics
Classification: Uncertain significance. Last evaluated: 2025-10-23. Review status: criteria provided, single submitter. Criteria: Ambry Variant Classification Scheme 2023. Collection method: clinical testing. Allele origin: germline.
Comment: The p.G56A variant (also known as c.167G>C), located in coding exon 1 of the WNK2 gene, results from a G to C substitution at nucleotide position 167. The glycine at codon 56 is replaced by alanine, an amino acid with similar properties. This amino acid position is conserved. In addition, this alteration is predicted to be tolerated by in silico analysis. Based on the available evidence, the clinical significance of this variant remains unclear.

NM_006648.4(WNK2):c.167G>C (p.Gly56Ala)

Gene: WNK2 (WNK lysine deficient protein kinase 2; plus strand). Cytogenetic location: 9q22.31.
Variant type: single nucleotide variant.
Coding change: c.167G>C on transcript NM_006648.4 (MANE Select); coding-DNA position 167, G replaced by C.
Protein change: p.Gly56Ala; replaces glycine 56 with alanine.
Molecular consequence: missense variant.
Genome position (GRCh38, 1-based): chr9:93,185,096, G>C. VCF-style: chr9-93185096-G-C. GRCh37 (hg19) VCF-style: chr9-95947378-G-C.
Other names: c.167G>C, p.Gly56Ala (NM_001282394.3); short protein forms G56A.
Identifiers: ClinVar variation 4605290 (VCV004605290.1).